The following is an entry in ClinVar:

NM_015512.5(DNAH1):c.7805+1G>A

Gene: DNAH1 (dynein axonemal heavy chain 1; plus strand). Cytogenetic location: 3p21.1.
Variant type: single nucleotide variant.
Coding change: c.7805+1G>A on transcript NM_015512.5 (MANE Select); the canonical splice donor site of the intron after coding-DNA position 7805, G replaced by A.
Molecular consequence: splice donor variant.
Genome position (GRCh38, 1-based): chr3:52,381,837, G>A. VCF-style: chr3-52381837-G-A. GRCh37 (hg19) VCF-style: chr3-52415853-G-A.
Identifiers: ClinVar variation 2950801 (VCV002950801.3), dbSNP rs2471259886, ClinGen allele CA353180685.

ClinVar aggregate classification (germline): Likely pathogenic (1 of 4 stars; one submission).

Conditions:
Spermatogenic failure 18. Identifiers: MedGen C4539783, MONDO:0054615, OMIM 617576.
Ciliary dyskinesia, primary, 37 (CILD37). Also called: CILIARY DYSKINESIA, PRIMARY, 37, WITH OR WITHOUT SITUS INVERSUS. Identifiers: MedGen C4539798, MONDO:0033204, OMIM 617577.

Submission:

Labcorp Genetics (formerly Invitae), Labcorp
Classification: Likely pathogenic for Ciliary dyskinesia, primary, 37; Spermatogenic failure 18. Last evaluated: 2023-08-07. Review status: criteria provided, single submitter. Criteria: Invitae Variant Classification Sherloc (09022015). Collection method: clinical testing. Allele origin: germline.
Comment: In summary, the currently available evidence indicates that the variant is pathogenic, but additional data are needed to prove that conclusively. Therefore, this variant has been classified as Likely Pathogenic. Algorithms developed to predict the effect of sequence changes on RNA splicing suggest that this variant may disrupt the consensus splice site. This variant has not been reported in the literature in individuals affected with DNAH1-related conditions. This variant is not present in population databases (gnomAD no frequency). This sequence change affects a donor splice site in intron 49 of the DNAH1 gene. It is expected to disrupt RNA splicing. Variants that disrupt the donor or acceptor splice site typically lead to a loss of protein function (PMID: 16199547), and loss-of-function variants in DNAH1 are known to be pathogenic (PMID: 27573432, 27798045).

Literature cited by the submitters: PubMed 16199547; PubMed 27573432; PubMed 27798045.